The following is an entry in ClinVar:

ClinVar aggregate classification (germline): Uncertain significance (1 of 4 stars; one submission).

Allele frequency attached by ClinVar (database versions not stated): gnomAD 0.00005; TOPMed 0.00005; ExAC 0.00006; ESP Exome Variant Server 0.00015; 1000 Genomes Project 0.00040; 1000 Genomes Project 30x 0.00047.
gnomAD v4.1: 21 of 1,588,552 alleles (0.0013%); highest among the groups gnomAD compares: African/African-American, 0.022%; no homozygotes.

Submission:

Labcorp Genetics (formerly Invitae), Labcorp
Classification: Uncertain significance. Last evaluated: 2024-11-05. Review status: criteria provided, single submitter. Criteria: Invitae Variant Classification Sherloc (09022015). Collection method: clinical testing. Allele origin: germline.
Comment: This sequence change replaces isoleucine, which is neutral and non-polar, with valine, which is neutral and non-polar, at codon 164 of the SKIV2L protein (p.Ile164Val). This variant is present in population databases (rs148127015, gnomAD 0.03%). This variant has not been reported in the literature in individuals affected with SKIV2L-related conditions. ClinVar contains an entry for this variant (Variation ID: 2419486). An algorithm developed to predict the effect of missense changes on protein structure and function outputs the following: PolyPhen-2: "Benign". The valine amino acid residue is found in multiple mammalian species, which suggests that this missense change does not adversely affect protein function. In summary, the available evidence is currently insufficient to determine the role of this variant in disease. Therefore, it has been classified as a Variant of Uncertain Significance.

NM_006929.5(SKIC2):c.490A>G (p.Ile164Val)

Gene: SKIC2 (SKI2 subunit of superkiller complex; plus strand). Cytogenetic location: 6p21.33.
Variant type: single nucleotide variant.
Coding change: c.490A>G on transcript NM_006929.5 (MANE Select); coding-DNA position 490, A replaced by G.
Protein change: p.Ile164Val; replaces isoleucine 164 with valine.
Molecular consequence: missense variant.
Genome position (GRCh38, 1-based): chr6:31,960,686, A>G. VCF-style: chr6-31960686-A-G. GRCh37 (hg19) VCF-style: chr6-31928463-A-G.
Other names: short protein forms I164V.
Identifiers: ClinVar variation 2419486 (VCV002419486.4), dbSNP rs148127015, ClinGen allele CA3729174.